The following is an entry in ClinVar:

NM_025144.4(ALPK1):c.1069G>C (p.Ala357Pro)

Gene: ALPK1 (alpha kinase 1; plus strand). Cytogenetic location: 4q25.
Variant type: single nucleotide variant.
Coding change: c.1069G>C on transcript NM_025144.4 (MANE Select); coding-DNA position 1069, G replaced by C.
Protein change: p.Ala357Pro; replaces alanine 357 with proline.
Molecular consequence: missense variant.
Genome position (GRCh38, 1-based): chr4:112,430,616, G>C. VCF-style: chr4-112430616-G-C. GRCh37 (hg19) VCF-style: chr4-113351772-G-C.
Other names: c.1069G>C (NM_025144.3); c.1069G>C, p.Ala357Pro (NM_001102406.2); c.835G>C, p.Ala279Pro (NM_001253884.2); short protein forms A357P, A279P.
Identifiers: ClinVar variation 2973231 (VCV002973231.5), dbSNP rs1222023909, ClinGen allele CA357893385.

ClinVar aggregate classification (germline): Uncertain significance. Review status: criteria provided, multiple submitters, no conflicts (2 of 4 stars). 3 submissions from 3 submitters: Uncertain significance (3). Last evaluated 2025-08-02.

Conditions:
Retinal dystrophy, optic nerve edema, splenomegaly, anhidrosis, and migraine headache syndrome. Also called: Optic nerve edema-splenomegaly syndrome; Splenomegaly, cytopenia, and vision loss; ALPK1-Related Autoinflammatory Disease; ROSAH syndrome. Identifiers: Orphanet 313800, MedGen C4749914, MONDO:0013999, OMIM 614979.
Inborn genetic diseases. Identifiers: MedGen C0950123, MeSH D030342.

Submissions (3):

Ambry Genetics
Classification: Uncertain significance for Inborn genetic diseases. Last evaluated: 2025-08-02. Review status: criteria provided, single submitter. Criteria: Ambry Variant Classification Scheme 2023. Collection method: clinical testing. Allele origin: germline.

3billion
Classification: Uncertain significance for Retinal dystrophy, optic nerve edema, splenomegaly, anhidrosis, and migraine headache syndrome. Last evaluated: 2024-11-07. Review status: criteria provided, single submitter. Criteria: ACMG Guidelines, 2015. Collection method: clinical testing. Allele origin: germline. Affected: yes.
Comment: The variant is not observed in the gnomAD v4.1.0 dataset. Predicted Consequence/Location: Missense variant. Missense changes are a common disease-causing mechanism. The variant has been reported as of uncertain significance (ClinVar ID: VCV002973231). Therefore, this variant is classified as VUS according to the recommendation of ACMG/AMP guideline.

Labcorp Genetics (formerly Invitae), Labcorp
Classification: Uncertain significance. Last evaluated: 2024-01-02. Review status: criteria provided, single submitter. Criteria: Invitae Variant Classification Sherloc (09022015). Collection method: clinical testing. Allele origin: germline.
Comment: This sequence change replaces alanine, which is neutral and non-polar, with proline, which is neutral and non-polar, at codon 357 of the ALPK1 protein (p.Ala357Pro). This variant is not present in population databases (gnomAD no frequency). This variant has not been reported in the literature in individuals affected with ALPK1-related conditions. Advanced modeling of protein sequence and biophysical properties (such as structural, functional, and spatial information, amino acid conservation, physicochemical variation, residue mobility, and thermodynamic stability) performed at Invitae indicates that this missense variant is expected to disrupt ALPK1 protein function with a positive predictive value of 80%. In summary, the available evidence is currently insufficient to determine the role of this variant in disease. Therefore, it has been classified as a Variant of Uncertain Significance.